The following is an entry in ClinVar:

ClinVar aggregate classification (germline): Uncertain significance (1 of 4 stars; one submission).

gnomAD v4.1: 3 of 1,613,896 alleles (0.00019%); highest among the groups gnomAD compares: South Asian, 0.0011%; no homozygotes.

Submission:

GeneDx
Classification: Uncertain significance. Last evaluated: 2024-08-16. Review status: criteria provided, single submitter. Criteria: GeneDx Variant Classification Process June 2021. Collection method: clinical testing. Allele origin: germline. Affected: yes.
Comment: Not observed at significant frequency in large population cohorts (gnomAD); In silico analysis indicates that this missense variant does not alter protein structure/function; Has not been previously published as pathogenic or benign to our knowledge

NM_206933.4(USH2A):c.7048G>A (p.Glu2350Lys)

Gene: USH2A (usherin; minus strand). Cytogenetic location: 1q41.
Variant type: single nucleotide variant.
Coding change: c.7048G>A on transcript NM_206933.4 (MANE Select); coding-DNA position 7048, G replaced by A.
Protein change: p.Glu2350Lys; replaces glutamic acid 2350 with lysine.
Molecular consequence: missense variant.
Genome position (GRCh38, 1-based): chr1:215,965,389, C>T on the plus strand (G>A on the coding strand, the complement: USH2A is on the minus strand). VCF-style: chr1-215965389-C-T. GRCh37 (hg19) VCF-style: chr1-216138731-C-T.
Other names: short protein forms E2350K.
Identifiers: ClinVar variation 3731130 (VCV003731130.1).